The following is an entry in ClinVar:

ClinVar aggregate classification (germline): Uncertain significance (1 of 4 stars; one submission).

Submission:

Women's Health and Genetics/Laboratory Corporation of America, LabCorp
Classification: Uncertain significance. Last evaluated: 2025-07-15. Review status: criteria provided, single submitter. Criteria: LabCorp Variant Classification Summary - May 2015. Collection method: clinical testing. Allele origin: germline.
Comment: Variant summary: UBR1 c.497A>G (p.His166Arg) results in a non-conservative amino acid change in the encoded protein sequence. Algorithms developed to predict the effect of missense changes on protein structure and function all suggest that this variant is likely to be disruptive. The variant was absent in 251462 control chromosomes. c.497A>G has been observed in compound heterozygous and homozygous individuals affected with Johanson-Blizzard Syndrome (Sukalo_2014, Cakir_2021). These data indicate that the variant may be associated with disease. To our knowledge, no experimental evidence demonstrating an impact on protein function has been reported. The following publications have been ascertained in the context of this evaluation (PMID: 34330684, 24599544). No submitters have cited clinical-significance assessments for this variant to ClinVar. Based on the evidence outlined above, the variant was classified as VUS-possibly pathogenic.

Literature cited by the submitters: PubMed 34330684; PubMed 24599544.

NM_174916.3(UBR1):c.497A>G (p.His166Arg)

Gene: UBR1 (ubiquitin protein ligase E3 component n-recognin 1; minus strand). Cytogenetic location: 15q15.2.
Variant type: single nucleotide variant.
Coding change: c.497A>G on transcript NM_174916.3 (MANE Select); coding-DNA position 497, A replaced by G.
Protein change: p.His166Arg; replaces histidine 166 with arginine.
Molecular consequence: missense variant.
Genome position (GRCh38, 1-based): chr15:43,075,010, T>C on the plus strand (A>G on the coding strand, the complement: UBR1 is on the minus strand). VCF-style: chr15-43075010-T-C. GRCh37 (hg19) VCF-style: chr15-43367208-T-C.
Other names: short protein forms H166R.
Identifiers: ClinVar variation 4525889 (VCV004525889.1).
Genomic context (GRCh38, chr15:43,075,010, plus strand): 5'-AACAATTTTTAACAAAATAGCATTCTTACCTCTTTTATAGTACCTGCTCTTCCAGGTTCA[T>C]GATTTACACAAAAAGGGCCAGTTTTCCATGCCTCTGTGTCTCCACAGTCACAGAACCCTC-3'
Protein context (NP_777576.1, residues 156-176): AWKTGPFCVN[His166Arg]EPGRAGTIKE